The following is an entry in ClinVar:

NM_024063.3(AFG2B):c.453C>T (p.Val151=)

Gene: AFG2B (AAA ATPase AFG2B; plus strand). Cytogenetic location: 15q21.1.
Variant type: single nucleotide variant.
Coding change: c.453C>T on transcript NM_024063.3 (MANE Select); coding-DNA position 453, C replaced by T.
Protein change: p.Val151=; no amino-acid change (valine 151 retained).
Molecular consequence: synonymous variant. On other transcripts: non-coding transcript variant (5).
Genome position (GRCh38, 1-based): chr15:45,402,882, C>T. VCF-style: chr15-45402882-C-T. GRCh37 (hg19) VCF-style: chr15-45695080-C-T.
Other names: c.453C>T, p.Val151= (NM_001323640.2).
Identifiers: ClinVar variation 3257011 (VCV003257011.17).

ClinVar aggregate classification (germline): Likely benign (1 of 4 stars; one submission).

gnomAD v4.1: 10 of 1,598,390 alleles (0.00063%); highest among the groups gnomAD compares: East Asian, 0.013%; no homozygotes.

Submission:

CeGaT Center for Human Genetics Tuebingen
Classification: Likely benign. Last evaluated: 2024-07-01. Review status: criteria provided, single submitter. Criteria: CeGaT Center For Human Genetics Tuebingen Variant Classification Criteria Version 2. Collection method: clinical testing. Allele origin: germline. Affected: yes. Observed: 1 variant allele.
Comment: AFG2B: BP4, BP7